The following is an entry in ClinVar:

NM_000170.3(GLDC):c.270G>C (p.Leu90Phe)

Gene: GLDC (glycine decarboxylase; minus strand). Cytogenetic location: 9p24.1.
Variant type: single nucleotide variant.
Coding change: c.270G>C on transcript NM_000170.3 (MANE Select); coding-DNA position 270, G replaced by C.
Protein change: p.Leu90Phe; replaces leucine 90 with phenylalanine.
Molecular consequence: missense variant.
Genome position (GRCh38, 1-based): chr9:6,644,678, C>G on the plus strand (G>C on the coding strand, the complement: GLDC is on the minus strand). VCF-style: chr9-6644678-C-G. GRCh37 (hg19) VCF-style: chr9-6644678-C-G.
Other names: short protein forms L90F.
Identifiers: ClinVar variation 531775 (VCV000531775.34), dbSNP rs747736821, ClinGen allele CA4981221.
Genomic context (GRCh38, chr9:6,644,678, plus strand): 5'-AGGGTCTTCCATTTTCAAGGGTCTTTTCAAACGGATGTTGGCAGGGACCGTCTTCTCGAT[C>G]AATTCATCAATGCTCTAAAATTAAAACGCAAGGCAGAGGAAAGTGCCTCTGAGTTAAAAG-3'
Protein context (NP_000161.2, residues 80-100): QTLGLASIDE[Leu90Phe]IEKTVPANIR

ClinVar aggregate classification (germline): Uncertain significance. Review status: criteria provided, multiple submitters, no conflicts (2 of 4 stars). 6 submissions from 6 submitters: Uncertain significance (5). 1 of the submissions does not count toward it. Last evaluated 2023-03-01.

Conditions:
Glycine encephalopathy. Also called: Non-ketotic hyperglycinemia; Nonketotic hyperglycinemia. Identifiers: Orphanet 407, MedGen C0751748, MONDO:0011612, HP:0008288.
Inborn genetic diseases. Identifiers: MedGen C0950123, MeSH D030342.

Allele frequency attached by ClinVar (database versions not stated): gnomAD 0.00005; ExAC 0.00006; TOPMed 0.00006; gnomAD exomes 0.00008.
gnomAD v4.1: 132 of 1,611,616 alleles (0.0082%); highest among the groups gnomAD compares: Non-Finnish European, 0.01%; no homozygotes.

Submissions (6):

CeGaT Center for Human Genetics Tuebingen
Classification: Uncertain significance. Last evaluated: 2023-03-01. Review status: criteria provided, single submitter. Criteria: CeGaT Center For Human Genetics Tuebingen Variant Classification Criteria Version 2. Collection method: clinical testing. Allele origin: germline. Affected: yes. Observed: 1 variant allele.
Comment: GLDC: PM2

Labcorp Genetics (formerly Invitae), Labcorp
Classification: Uncertain significance for Glycine encephalopathy. Last evaluated: 2022-08-08. Review status: criteria provided, single submitter. Criteria: Invitae Variant Classification Sherloc (09022015). Collection method: clinical testing. Allele origin: germline.
Comment: This sequence change replaces leucine, which is neutral and non-polar, with phenylalanine, which is neutral and non-polar, at codon 90 of the GLDC protein (p.Leu90Phe). This variant is present in population databases (rs747736821, gnomAD 0.02%). This variant has not been reported in the literature in individuals affected with GLDC-related conditions. ClinVar contains an entry for this variant (Variation ID: 531775). Advanced modeling of protein sequence and biophysical properties (such as structural, functional, and spatial information, amino acid conservation, physicochemical variation, residue mobility, and thermodynamic stability) performed at Invitae indicates that this missense variant is expected to disrupt GLDC protein function. In summary, the available evidence is currently insufficient to determine the role of this variant in disease. Therefore, it has been classified as a Variant of Uncertain Significance.

Ambry Genetics
Classification: Uncertain significance for Inborn genetic diseases. Last evaluated: 2021-07-09. Review status: criteria provided, single submitter. Criteria: Ambry Variant Classification Scheme 2023. Collection method: clinical testing. Allele origin: germline.

GeneDx
Classification: Uncertain significance. Last evaluated: 2019-12-03. Review status: criteria provided, single submitter. Criteria: GeneDx Variant Classification Process June 2021. Collection method: clinical testing. Allele origin: germline. Affected: yes.
Comment: In silico analysis, which includes protein predictors and evolutionary conservation, supports a deleterious effect; Has not been previously published as pathogenic or benign to our knowledge

Illumina Laboratory Services, Illumina
Classification: Uncertain significance for Glycine encephalopathy 1. Last evaluated: 2017-04-27. Review status: criteria provided, single submitter. Criteria: ICSL Variant Classification Criteria 13 December 2019. Collection method: clinical testing. Allele origin: germline.

Natera, Inc.
Classification: Uncertain significance for Non-ketotic hyperglycinemia. Last evaluated: 2019-11-11. Review status: no assertion criteria provided. Collection method: clinical testing. Allele origin: germline. Not counted in ClinVar's aggregate classification.